The following is an entry in ClinVar:

NM_005548.3(KARS1):c.1734G>C (p.Lys578Asn)

Gene: KARS1 (lysyl-tRNA synthetase 1; minus strand). Cytogenetic location: 16q23.1.
Variant type: single nucleotide variant.
Coding change: c.1734G>C on transcript NM_005548.3 (MANE Select); coding-DNA position 1734, G replaced by C.
Protein change: p.Lys578Asn; replaces lysine 578 with asparagine.
Molecular consequence: missense variant.
Genome position (GRCh38, 1-based): chr16:75,627,955, C>G on the plus strand (G>C on the coding strand, the complement: KARS1 is on the minus strand). VCF-style: chr16-75627955-C-G. GRCh37 (hg19) VCF-style: chr16-75661853-C-G.
Other names: c.1818G>C, p.Lys606Asn (NM_001130089.2); c.1266G>C, p.Lys422Asn (NM_001378148.1); short protein forms K422N, K578N, K606N.
Identifiers: ClinVar variation 1699608 (VCV001699608.8), dbSNP rs372437633, ClinGen allele CA8177132.

ClinVar aggregate classification (germline): Uncertain significance. Review status: criteria provided, multiple submitters, no conflicts (2 of 4 stars). 3 submissions from 3 submitters: Uncertain significance (3). Last evaluated 2026-06-02.

Allele frequency attached by ClinVar (database versions not stated): TOPMed 0.00002; ExAC 0.00003; ESP Exome Variant Server 0.00015; gnomAD 0.00003; gnomAD exomes 0.00004 and 0.00010.
gnomAD v4.1: 150 of 1,611,850 alleles (0.0093%); highest among the groups gnomAD compares: Non-Finnish European, 0.012%; no homozygotes.

Submissions (3):

GeneDx
Classification: Uncertain significance. Last evaluated: 2026-06-02. Review status: criteria provided, single submitter. Criteria: GeneDx Variant Classification Process June 2021. Collection method: clinical testing. Allele origin: germline.
Comment: In silico analysis suggests that this missense variant does not alter protein structure/function; Has not been previously published as pathogenic or benign to our knowledge

Ambry Genetics
Classification: Uncertain significance. Last evaluated: 2025-02-19. Review status: criteria provided, single submitter. Criteria: Ambry Variant Classification Scheme 2023. Collection method: clinical testing. Allele origin: germline.

Labcorp Genetics (formerly Invitae), Labcorp
Classification: Uncertain significance. Last evaluated: 2024-04-10. Review status: criteria provided, single submitter. Criteria: Invitae Variant Classification Sherloc (09022015). Collection method: clinical testing. Allele origin: germline.
Comment: This sequence change replaces lysine, which is basic and polar, with asparagine, which is neutral and polar, at codon 606 of the KARS protein (p.Lys606Asn). This variant is present in population databases (rs372437633, gnomAD 0.01%). This variant has not been reported in the literature in individuals affected with KARS-related conditions. ClinVar contains an entry for this variant (Variation ID: 1699608). An algorithm developed to predict the effect of missense changes on protein structure and function (PolyPhen-2) suggests that this variant¬†is likely to be tolerated. In summary, the available evidence is currently insufficient to determine the role of this variant in disease. Therefore, it has been classified as a Variant of Uncertain Significance.